The following is an entry in ClinVar:

ClinVar aggregate classification (germline): Pathogenic. Review status: criteria provided, single submitter (1 of 4 stars). 2 submissions from 2 submitters: Pathogenic (1). 1 of the submissions does not count toward it. Last evaluated 2026-03-02.

Conditions:
Hereditary breast ovarian cancer syndrome. Also called: Hereditary breast and ovarian cancer syndrome (HBOC); BRCA1- and BRCA2-Associated Hereditary Breast and Ovarian Cancer; Hereditary breast and/or ovarian cancer syndrome; Hereditary breast and ovarian cancer syndrome; Hereditary breast and ovarian cancer; Breast and ovarian cancer. Identifiers: Orphanet 145, MedGen C0677776, MeSH D061325, MONDO:0003582. Disease mechanism: loss of function.
Breast-ovarian cancer, familial, susceptibility to, 1 (BROVCA1). Also called: BRCA1 Hereditary Breast and Ovarian Cancer; OVARIAN CANCER, SUSCEPTIBILITY TO. Identifiers: Orphanet 145, MedGen C2676676, MONDO:0011450, OMIM 604370. Disease mechanism: loss of function.

Submissions (2):

Myriad Genetics, Inc.
Classification: Pathogenic for Breast-ovarian cancer, familial, susceptibility to, 1. Last evaluated: 2026-03-02. Review status: criteria provided, single submitter. Criteria: Myriad Autosomal Dominant, Autosomal Recessive and X-Linked Classification Criteria (2023). Collection method: clinical testing. Allele origin: unknown.
Comment: This variant is considered pathogenic. This variant creates a frameshift predicted to result in premature protein truncation.

Research Molecular Genetics Laboratory, Women's College Hospital, University of Toronto
Classification: Pathogenic for Hereditary breast ovarian cancer syndrome. Last evaluated: 2014-01-31. Review status: no assertion criteria provided. Collection method: research. Allele origin: germline. Affected: yes. Study: The Canadian Open Genetics Repository (COGR). Not counted in ClinVar's aggregate classification.

NM_007294.4(BRCA1):c.1393dup (p.Tyr465fs)

Gene: BRCA1 (BRCA1 DNA repair associated; minus strand). Cytogenetic location: 17q21.31.
Variant type: Duplication.
Coding change: c.1393dup on transcript NM_007294.4 (MANE Select); coding-DNA position 1393, one base duplicated (T; older notation c.1393dupT).
Protein change: p.Tyr465fs; shifts the reading frame from tyrosine 465.
Molecular consequence: frameshift variant. On other transcripts: intron variant (137).
Genome position (GRCh38, 1-based): chr17:43,094,138, A duplicated on the plus strand (T on the coding strand, the reverse complement: BRCA1 is on the minus strand). VCF-style (leftmost placement, unchanged base first): chr17-43094137-T-TA. GRCh37 (hg19) VCF-style: chr17-41246154-T-TA.
Other names: c.1393_1394insT (NM_007294.3); c.1180dup, p.Tyr394fs (NM_001407571.1, NM_001407853.1, NM_001407894.1 and 9 more transcripts); c.1393dup, p.Tyr465fs (NM_001407581.1, NM_001407582.1, NM_001407583.1 and 30 more transcripts); c.1390dup, p.Tyr464fs (NM_001407587.1, NM_001407590.1, NM_001407591.1 and 22 more transcripts); c.1384dup, p.Tyr462fs (NM_001407646.1, NM_001407647.1); c.1270dup, p.Tyr424fs (NM_001407648.1, NM_001407664.1, NM_001407665.1 and 19 more transcripts); c.1267dup, p.Tyr423fs (NM_001407649.1, NM_001407670.1, NM_001407671.1 and 11 more transcripts); c.1315dup, p.Tyr439fs (NM_001407653.1, NM_001407654.1, NM_001407655.1 and 4 more transcripts); and 41 more; short protein forms Y465fs, Y418fs, Y394fs, Y423fs, Y424fs, Y438fs, Y439fs, Y462fs.
Identifiers: ClinVar variation 431214 (VCV000431214.3), dbSNP rs1555591812, ClinGen allele CA645373204.
Genomic context (GRCh38, chr17:43,094,137, plus strand): 5'-GCTCCTATAATTAGATTTTCAGTTACATGGCTTAAGTTGGGGAGGCTTGCCTTCTTCCGA[T>TA]AGGTTTTCCCAAATATTTTGTCTTCAATATTACTCTCTACTGATTTGGAGTGAACTCTTT-3'